The following is an entry in ClinVar:

NM_004252.5(NHERF1):c.457C>T (p.Arg153Trp)

Gene: NHERF1 (NHERF family PDZ scaffold protein 1; plus strand). Cytogenetic location: 17q25.1.
Variant type: single nucleotide variant.
Coding change: c.457C>T on transcript NM_004252.5 (MANE Select); coding-DNA position 457, C replaced by T.
Protein change: p.Arg153Trp; replaces arginine 153 with tryptophan.
Molecular consequence: missense variant.
Genome position (GRCh38, 1-based): chr17:74,762,027, C>T. VCF-style: chr17-74762027-C-T. GRCh37 (hg19) VCF-style: chr17-72758166-C-T.
Other names: c.457C>T (NM_004252.3); short protein forms R153W.
Identifiers: ClinVar variation 3006439 (VCV003006439.4), dbSNP rs779127116, ClinGen allele CA8750603.

ClinVar aggregate classification (germline): Uncertain significance. Review status: criteria provided, multiple submitters, no conflicts (2 of 4 stars). 2 submissions from 2 submitters: Uncertain significance (2). Last evaluated 2025-10-29.

Conditions:
Inborn genetic diseases. Identifiers: MedGen C0950123, MeSH D030342.

Allele frequency attached by ClinVar (database versions not stated): gnomAD exomes 0.00001; ExAC 0.00002.
gnomAD v4.1: 15 of 1,614,074 alleles (0.00093%); highest among the groups gnomAD compares: South Asian, 0.015%; no homozygotes.

Submissions (2):

Ambry Genetics
Classification: Uncertain significance for Inborn genetic diseases. Last evaluated: 2025-10-29. Review status: criteria provided, single submitter. Criteria: Ambry Variant Classification Scheme 2023. Collection method: clinical testing. Allele origin: germline.

Labcorp Genetics (formerly Invitae), Labcorp
Classification: Uncertain significance. Last evaluated: 2022-09-24. Review status: criteria provided, single submitter. Criteria: Invitae Variant Classification Sherloc (09022015). Collection method: clinical testing. Allele origin: germline.
Comment: In summary, the available evidence is currently insufficient to determine the role of this variant in disease. Therefore, it has been classified as a Variant of Uncertain Significance. Algorithms developed to predict the effect of missense changes on protein structure and function are either unavailable or do not agree on the potential impact of this missense change (SIFT: "Deleterious"; PolyPhen-2: "Probably Damaging"; Align-GVGD: "Class C0"). This variant has not been reported in the literature in individuals affected with SLC9A3R1-related conditions. This variant is present in population databases (rs779127116, gnomAD 0.03%). This sequence change replaces arginine, which is basic and polar, with tryptophan, which is neutral and slightly polar, at codon 153 of the SLC9A3R1 protein (p.Arg153Trp).